The following is an entry in ClinVar:

ClinVar aggregate classification (germline): Conflicting classifications of pathogenicity. Review status: criteria provided, conflicting classifications (1 of 4 stars). 2 submissions from 2 submitters: Uncertain significance (1); Likely benign (1). Last evaluated 2024-01-11.

Conditions:
Hereditary cancer-predisposing syndrome. Also called: Tumor predisposition; Hereditary Cancer Syndrome; Hereditary neoplastic syndrome; Neoplastic Syndromes, Hereditary. Identifiers: Orphanet 140162, MedGen C0027672, MeSH D009386, MONDO:0015356.
Gastrointestinal stromal tumor. Also called: Gastrointestinal stroma tumor; Gastrointestinal stromal tumor, somatic. Identifiers: Orphanet 44890, MedGen C0238198, MeSH D046152, MONDO:0011719, OMIM 606764, HP:0100723.

Allele frequency attached by ClinVar (database versions not stated): TOPMed below 0.00001; gnomAD 0.00001.
gnomAD v4.1: 2 of 1,206,788 alleles (0.00017%); highest among the groups gnomAD compares: Non-Finnish European, 0.00025%; no homozygotes.

Submissions (2):

Labcorp Genetics (formerly Invitae), Labcorp
Classification: Uncertain significance for Gastrointestinal stromal tumor. Last evaluated: 2024-01-11. Review status: criteria provided, single submitter. Criteria: Invitae Variant Classification Sherloc (09022015). Collection method: clinical testing. Allele origin: germline.
Comment: This sequence change affects codon 891 of the PDGFRA mRNA. It is a 'silent' change, meaning that it does not change the encoded amino acid sequence of the PDGFRA protein. It affects a nucleotide within the consensus splice site. This variant is not present in population databases (gnomAD no frequency). This variant has not been reported in the literature in individuals affected with PDGFRA-related conditions. ClinVar contains an entry for this variant (Variation ID: 1407586). Algorithms developed to predict the effect of sequence changes on RNA splicing suggest that this variant is not likely to affect RNA splicing. In summary, the available evidence is currently insufficient to determine the role of this variant in disease. Therefore, it has been classified as a Variant of Uncertain Significance.

Ambry Genetics
Classification: Likely benign for Hereditary cancer-predisposing syndrome. Last evaluated: 2022-08-05. Review status: criteria provided, single submitter. Criteria: Ambry Variant Classification Scheme 2023. Collection method: clinical testing. Allele origin: germline.

NM_006206.6(PDGFRA):c.2673T>C (p.Leu891=)

Gene: PDGFRA (platelet derived growth factor receptor alpha; plus strand). Cytogenetic location: 4q12.
Variant type: single nucleotide variant.
Coding change: c.2673T>C on transcript NM_006206.6 (MANE Select); coding-DNA position 2673, T replaced by C.
Protein change: p.Leu891=; no amino-acid change (leucine 891 retained).
Molecular consequence: synonymous variant.
Genome position (GRCh38, 1-based): chr4:54,287,540, T>C. VCF-style: chr4-54287540-T-C. GRCh37 (hg19) VCF-style: chr4-55153707-T-C.
Other names: c.2748T>C, p.Leu916= (NM_001347828.2); c.2673T>C, p.Leu891= (NM_001347829.2); c.2712T>C, p.Leu904= (NM_001347830.2).
Identifiers: ClinVar variation 1407586 (VCV001407586.10), dbSNP rs1724417810, ClinGen allele CA439288012.
Genomic context (GRCh38, chr4:54,287,540, plus strand): 5'-CTACACCACACTGAGTGATGTCTGGTCTTATGGCATTCTGCTCTGGGAGATCTTTTCCCT[T>C]GGTATGGGCCTGACATTGCTGCTTATTTGGGCTGTTCTGAAACACCACTGGAAGGAAAAT-3'
Protein context (NP_006197.1, residues 881-901): YGILLWEIFS[Leu891=]GGTPYPGMMV